The following is an entry in ClinVar:

ClinVar aggregate classification (germline): Uncertain significance (1 of 4 stars; one submission).

Conditions:
Nephronophthisis 18 (NPHP18). Identifiers: Orphanet 655, MedGen C3890591, MONDO:0014374, OMIM 615862.

Allele frequency attached by ClinVar (database versions not stated): gnomAD 0.00001.
gnomAD v4.1: 1 of 1,587,230 alleles (0.000063%); highest among the groups gnomAD compares: African/African-American, 0.0014%; no homozygotes.

Submission:

Labcorp Genetics (formerly Invitae), Labcorp
Classification: Uncertain significance for Nephronophthisis 18. Last evaluated: 2020-02-26. Review status: criteria provided, single submitter. Criteria: Invitae Variant Classification Sherloc (09022015). Collection method: clinical testing. Allele origin: germline.
Comment: This sequence change replaces threonine with alanine at codon 457 of the CEP83 protein (p.Thr457Ala). The threonine residue is weakly conserved and there is a small physicochemical difference between threonine and alanine. This variant is not present in population databases (ExAC no frequency). This variant has not been reported in the literature in individuals with CEP83-related conditions. Algorithms developed to predict the effect of missense changes on protein structure and function output the following: SIFT: "Not Available"; PolyPhen-2: "Benign"; Align-GVGD: "Not Available". The alanine amino acid residue is found in multiple mammalian species, suggesting that this missense change does not adversely affect protein function. These predictions have not been confirmed by published functional studies and their clinical significance is uncertain. In summary, the available evidence is currently insufficient to determine the role of this variant in disease. Therefore, it has been classified as a Variant of Uncertain Significance.

NM_016122.3(CEP83):c.1369A>G (p.Thr457Ala)

Gene: CEP83 (centrosomal protein 83; minus strand). Cytogenetic location: 12q22.
Variant type: single nucleotide variant.
Coding change: c.1369A>G on transcript NM_016122.3 (MANE Select); coding-DNA position 1369, A replaced by G.
Protein change: p.Thr457Ala; replaces threonine 457 with alanine.
Molecular consequence: missense variant. On other transcripts: non-coding transcript variant (2).
Genome position (GRCh38, 1-based): chr12:94,335,639, T>C on the plus strand (A>G on the coding strand, the complement: CEP83 is on the minus strand). VCF-style: chr12-94335639-T-C. GRCh37 (hg19) VCF-style: chr12-94729415-T-C.
Other names: c.1369A>G, p.Thr457Ala (NM_001042399.2, NM_001346457.2, NM_001368037.1 and 1 more transcripts); c.1057A>G, p.Thr353Ala (NM_001346458.2, NM_001346459.2, NM_001368039.1 and 1 more transcripts); c.1144A>G, p.Thr382Ala (NM_001368041.1); short protein forms T353A, T382A, T457A.
Identifiers: ClinVar variation 1053922 (VCV001053922.7), dbSNP rs1200906037, ClinGen allele CA386145037.